The following is an entry in ClinVar:

NM_024548.4(CEP97):c.1006T>C (p.Cys336Arg)

Gene: CEP97 (centrosomal protein 97; plus strand). Cytogenetic location: 3q12.3.
Variant type: single nucleotide variant.
Coding change: c.1006T>C on transcript NM_024548.4 (MANE Select); coding-DNA position 1006, T replaced by C.
Protein change: p.Cys336Arg; replaces cysteine 336 with arginine.
Molecular consequence: missense variant.
Genome position (GRCh38, 1-based): chr3:101,757,175, T>C. VCF-style: chr3-101757175-T-C. GRCh37 (hg19) VCF-style: chr3-101476019-T-C.
Other names: c.1006T>C, p.Cys336Arg (NM_001303401.2); c.904T>C, p.Cys302Arg (NM_001410784.1, NM_001410785.1); short protein forms C302R, C336R.
Identifiers: ClinVar variation 2065306 (VCV002065306.4), dbSNP rs2545845003, ClinGen allele CA353874892.

ClinVar aggregate classification (germline): Uncertain significance (1 of 4 stars; one submission).

Submission:

Labcorp Genetics (formerly Invitae), Labcorp
Classification: Uncertain significance. Last evaluated: 2023-11-27. Review status: criteria provided, single submitter. Criteria: Invitae Variant Classification Sherloc (09022015). Collection method: clinical testing. Allele origin: germline.
Comment: This sequence change replaces cysteine, which is neutral and slightly polar, with arginine, which is basic and polar, at codon 336 of the CEP97 protein (p.Cys336Arg). This variant is not present in population databases (gnomAD no frequency). This variant has not been reported in the literature in individuals affected with CEP97-related conditions. ClinVar contains an entry for this variant (Variation ID: 2065306). Advanced modeling of protein sequence and biophysical properties (such as structural, functional, and spatial information, amino acid conservation, physicochemical variation, residue mobility, and thermodynamic stability) performed at Invitae indicates that this missense variant is not expected to disrupt CEP97 protein function with a negative predictive value of 80%. In summary, the available evidence is currently insufficient to determine the role of this variant in disease. Therefore, it has been classified as a Variant of Uncertain Significance.